The following is an entry in ClinVar:

NM_000242.2(MBL2):c.305_314del10

Gene: MBL2 (mannose binding lectin 2; minus strand). Cytogenetic location: 10q21.1.
Variant type: Deletion.
Coding change: c.305_314del10 on transcript NM_000242.2; coding-DNA positions 305 to 314, 10 bases deleted (ATGGTGATAG; older notation c.305_314del10ATGGTGATAG).
Genome position (GRCh38, 1-based): chr10:52,769,306-52,769,315, CTATCACCAT deleted on the plus strand (ATGGTGATAG on the coding strand, the reverse complement: MBL2 is on the minus strand); deleting any 10 consecutive bases within chr10:52,769,306-52,769,318 gives the same sequence; the c. name uses the placement nearest the transcript's 3' end. VCF-style (leftmost placement, unchanged base first): chr10-52769305-ACTATCACCAT-A. GRCh37 (hg19) VCF-style: chr10-54529065-ACTATCACCAT-A.
Identifiers: ClinVar variation 4989401 (VCV004989401.1).

ClinVar aggregate classification (germline): Uncertain significance (1 of 4 stars; one submission).

Conditions:
MBL2-related disorder. Also called: MBL2-related condition.

Submission:

PreventionGenetics, part of Exact Sciences
Classification: Uncertain significance for MBL2-related condition. Last evaluated: 2024-10-25. Review status: criteria provided, single submitter. Criteria: ACMG Guidelines, 2015. Collection method: clinical testing. Allele origin: germline.
Comment: The MBL2 c.305_314del10 variant is predicted to result in a frameshift and premature protein termination (p.Asp102Valfs*36). To our knowledge, this variant has not been reported in the literature. This variant is reported in 0.023% of alleles in individuals of African descent in gnomAD. At this time, the clinical significance of this variant is uncertain due to the absence of conclusive functional and genetic evidence.